The following is an entry in ClinVar:

NM_016824.5(ADD3):c.2026G>A (p.Gly676Ser)

Gene: ADD3 (adducin 3; plus strand). Cytogenetic location: 10q25.2.
Variant type: single nucleotide variant.
Coding change: c.2026G>A on transcript NM_016824.5 (MANE Select); coding-DNA position 2026, G replaced by A.
Protein change: p.Gly676Ser; replaces glycine 676 with serine.
Molecular consequence: missense variant.
Genome position (GRCh38, 1-based): chr10:110,133,523, G>A. VCF-style: chr10-110133523-G-A. GRCh37 (hg19) VCF-style: chr10-111893281-G-A.
Other names: c.1930G>A, p.Gly644Ser (NM_001121.4, NM_019903.5); c.2026G>A, p.Gly676Ser (NM_001320591.2, NM_001320592.2, NM_001320593.2); c.1792G>A, p.Gly598Ser (NM_001320594.2); short protein forms G644S, G598S, G676S.
Identifiers: ClinVar variation 1991292 (VCV001991292.4), dbSNP rs2496415536, ClinGen allele CA378383168.

ClinVar aggregate classification (germline): Uncertain significance (1 of 4 stars; one submission).

Allele frequency attached by ClinVar (database versions not stated): gnomAD exomes below 0.00001.
gnomAD v4.1: 2 of 1,613,116 alleles (0.00012%); highest among the groups gnomAD compares: Non-Finnish European, 0.00017%; no homozygotes.

Submission:

Labcorp Genetics (formerly Invitae), Labcorp
Classification: Uncertain significance. Last evaluated: 2025-07-07. Review status: criteria provided, single submitter. Criteria: Invitae Variant Classification Sherloc (09022015). Collection method: clinical testing. Allele origin: germline.
Comment: This sequence change replaces glycine, which is neutral and non-polar, with serine, which is neutral and polar, at codon 676 of the ADD3 protein (p.Gly676Ser). This variant is not present in population databases (gnomAD no frequency). This variant has not been reported in the literature in individuals affected with ADD3-related conditions. ClinVar contains an entry for this variant (Variation ID: 1991292). Experimental studies and prediction algorithms are not available or were not evaluated, and the functional significance of this variant is currently unknown. In summary, the available evidence is currently insufficient to determine the role of this variant in disease. Therefore, it has been classified as a Variant of Uncertain Significance.